The following is an entry in ClinVar:

NM_000117.3(EMD):c.587C>G (p.Ser196Cys)

Gene: EMD (emerin; plus strand). Cytogenetic location: Xq28.
Variant type: single nucleotide variant.
Coding change: c.587C>G on transcript NM_000117.3 (MANE Select); coding-DNA position 587, C replaced by G.
Protein change: p.Ser196Cys; replaces serine 196 with cysteine.
Molecular consequence: missense variant.
Genome position (GRCh38, 1-based): chrX:154,381,019, C>G. VCF-style: chrX-154381019-C-G. GRCh37 (hg19) VCF-style: chrX-153609379-C-G.
Other names: short protein forms S196C.
Identifiers: ClinVar variation 2013268 (VCV002013268.4), dbSNP rs781900414, ClinGen allele CA415258935.
Genomic context (GRCh38, chrX:154,381,019, plus strand): 5'-CCCTGGACCTGTCCTATTATCCTACTTCCTCCTCCACCTCTTTTATGTCCTCCTCATCAT[C>G]TTCCTCTTCATGGCTCACCCGCCGTGCCATCCGGCCTGAAAACCGTGCTCCTGGGGCTGG-3'
Protein context (NP_000108.1, residues 186-206): SSTSFMSSSS[Ser196Cys]SSSWLTRRAI

ClinVar aggregate classification (germline): Uncertain significance (1 of 4 stars; one submission).

Conditions:
X-linked Emery-Dreifuss muscular dystrophy. Also called: Muscular dystrophy, tardive Emery-Dreifuss type, with contractures. Identifiers: Orphanet 261, Orphanet 98863, MedGen C0751337, MONDO:0010680.

Allele frequency attached by ClinVar (database versions not stated): 1000 Genomes Project 30x 0.00021.
gnomAD v4.1: 1 of 1,210,597 alleles (0.000083%); highest among the groups gnomAD compares: East Asian, 0.003%; no homozygotes.

Submission:

Labcorp Genetics (formerly Invitae), Labcorp
Classification: Uncertain significance for X-linked Emery-Dreifuss muscular dystrophy. Last evaluated: 2022-07-02. Review status: criteria provided, single submitter. Criteria: Invitae Variant Classification Sherloc (09022015). Collection method: clinical testing. Allele origin: germline.
Comment: Algorithms developed to predict the effect of missense changes on protein structure and function output the following: SIFT: "Tolerated"; PolyPhen-2: "Benign"; Align-GVGD: "Class C15". The cysteine amino acid residue is found in multiple mammalian species, which suggests that this missense change does not adversely affect protein function. In summary, the available evidence is currently insufficient to determine the role of this variant in disease. Therefore, it has been classified as a Variant of Uncertain Significance. This variant has not been reported in the literature in individuals affected with EMD-related conditions. This variant is not present in population databases (gnomAD no frequency). This sequence change replaces serine, which is neutral and polar, with cysteine, which is neutral and slightly polar, at codon 196 of the EMD protein (p.Ser196Cys).